The following is an entry in ClinVar:

NM_017777.4(MKS1):c.149del (p.Asp50fs)

Gene: MKS1 (MKS transition zone complex subunit 1; minus strand). Cytogenetic location: 17q22.
Variant type: Deletion.
Coding change: c.149del on transcript NM_017777.4 (MANE Select); coding-DNA position 149, one base deleted (A; older notation c.149delA).
Protein change: p.Asp50fs; shifts the reading frame from aspartic acid 50.
Molecular consequence: frameshift variant. On other transcripts: 5 prime UTR variant (1).
Genome position (GRCh38, 1-based): chr17:58,218,661, T deleted on the plus strand (A on the coding strand, the reverse complement: MKS1 is on the minus strand). VCF-style (leftmost placement, unchanged base first): chr17-58218660-GT-G. GRCh37 (hg19) VCF-style: chr17-56296021-GT-G.
Other names: c.-363del (NM_001321268.2); c.149del, p.Asp50fs (NM_001321269.2, NM_001330397.2); c.149delA, p.Asp50Alafs (NM_001411113.1); short protein forms D50fs.
Identifiers: ClinVar variation 2196405 (VCV002196405.4), dbSNP rs1969403532, ClinGen allele CA2267607360.

ClinVar aggregate classification (germline): Pathogenic/Likely pathogenic. Review status: criteria provided, multiple submitters, no conflicts (2 of 4 stars). 2 submissions from 2 submitters: Pathogenic (1); Likely pathogenic (1). Last evaluated 2025-07-15.

Conditions:
Joubert syndrome. Also called: CEREBELLOPARENCHYMAL DISORDER IV; JOUBERT-BOLTSHAUSER SYNDROME; Familial aplasia of the vermis. Identifiers: Orphanet 475, MedGen C5979921, MONDO:0018772.
Meckel-Gruber syndrome. Also called: DYSENCEPHALIA SPLANCHNOCYSTICA; GRUBER SYNDROME; Dysencephalia splachnocystica. Identifiers: Orphanet 564, MedGen C0265215, MONDO:0018921.
Meckel syndrome, type 1 (MKS1). Also called: MECKEL-GRUBER SYNDROME, TYPE 1. Identifiers: Orphanet 564, MedGen C3714506, MONDO:0009571, OMIM 249000.

Allele frequency attached by ClinVar (database versions not stated): gnomAD exomes 0.00001; TOPMed below 0.00001.

Submissions (2):

Natera, Inc.
Classification: Likely pathogenic for Meckel syndrome type 1. Last evaluated: 2025-07-15. Review status: criteria provided, single submitter. Criteria: Natera Variant Classification Schema (03/2026). Collection method: clinical testing. Allele origin: germline.
Comment: The c.149delA variant in MKS1 is a frameshift variant predicted to shift the reading frame beginning at codon 50 and leads to a stop codon 3 codons downstream. This variant is expected to result in nonsense mediated decay, truncation, or a dysfunctional protein product. This variant is rare in the general population with a frequency below the threshold expected for the associated phenotype(s). Given the available evidence, this variant is classified as Likely Pathogenic.

Labcorp Genetics (formerly Invitae), Labcorp
Classification: Pathogenic for Joubert syndrome; Meckel-Gruber syndrome. Last evaluated: 2022-06-10. Review status: criteria provided, single submitter. Criteria: Invitae Variant Classification Sherloc (09022015). Collection method: clinical testing. Allele origin: germline.
Comment: For these reasons, this variant has been classified as Pathogenic. This variant has not been reported in the literature in individuals affected with MKS1-related conditions. This variant is not present in population databases (gnomAD no frequency). This sequence change creates a premature translational stop signal (p.Asp50Alafs*3) in the MKS1 gene. It is expected to result in an absent or disrupted protein product. Loss-of-function variants in MKS1 are known to be pathogenic (PMID: 19466712, 24886560, 26490104).

Literature cited by the submitters: PubMed 19466712 (cited by Labcorp Genetics (formerly Invitae), Labcorp); PubMed 24886560 (cited by Labcorp Genetics (formerly Invitae), Labcorp); PubMed 26490104 (cited by Labcorp Genetics (formerly Invitae), Labcorp).